The following is an entry in ClinVar:

NM_032888.4(COL27A1):c.3361C>T (p.Pro1121Ser)

Gene: COL27A1 (collagen type XXVII alpha 1 chain; plus strand). Cytogenetic location: 9q32.
Variant type: single nucleotide variant.
Coding change: c.3361C>T on transcript NM_032888.4 (MANE Select); coding-DNA position 3361, C replaced by T.
Protein change: p.Pro1121Ser; replaces proline 1121 with serine.
Molecular consequence: missense variant.
Genome position (GRCh38, 1-based): chr9:114,265,443, C>T. VCF-style: chr9-114265443-C-T. GRCh37 (hg19) VCF-style: chr9-117027723-C-T.
Other names: short protein forms P1121S.
Identifiers: ClinVar variation 2163355 (VCV002163355.3), dbSNP rs566089454, ClinGen allele CA5202441.

ClinVar aggregate classification (germline): Uncertain significance (1 of 4 stars; one submission).

Allele frequency attached by ClinVar (database versions not stated): ExAC 0.00001; gnomAD 0.00001; TOPMed 0.00001; 1000 Genomes Project 30x 0.00016; 1000 Genomes Project 0.00020.
gnomAD v4.1: 17 of 1,613,888 alleles (0.0011%); highest among the groups gnomAD compares: Middle Eastern, 0.033%; no homozygotes.

Submission:

Labcorp Genetics (formerly Invitae), Labcorp
Classification: Uncertain significance. Last evaluated: 2024-04-08. Review status: criteria provided, single submitter. Criteria: Invitae Variant Classification Sherloc (09022015). Collection method: clinical testing. Allele origin: germline.
Comment: This sequence change replaces proline, which is neutral and non-polar, with serine, which is neutral and polar, at codon 1121 of the COL27A1 protein (p.Pro1121Ser). This variant is present in population databases (rs566089454, gnomAD 0.007%). This variant has not been reported in the literature in individuals affected with COL27A1-related conditions. ClinVar contains an entry for this variant (Variation ID: 2163355). Advanced modeling of protein sequence and biophysical properties (such as structural, functional, and spatial information, amino acid conservation, physicochemical variation, residue mobility, and thermodynamic stability) performed at Invitae indicates that this missense variant is not expected to disrupt COL27A1 protein function with a negative predictive value of 80%. In summary, the available evidence is currently insufficient to determine the role of this variant in disease. Therefore, it has been classified as a Variant of Uncertain Significance.